The following is an entry in ClinVar:

NM_001374736.1(DST):c.20394+20_20394+24del

Gene: DST (dystonin; minus strand). Cytogenetic location: 6p12.1.
Variant type: Microsatellite.
Coding change: c.20394+20_20394+24del on transcript NM_001374736.1 (MANE Select); bases 20 to 24 of the intron after coding-DNA position 20394, 5 bases deleted (TAATA; older notation c.20394+20_20394+24delTAATA).
Molecular consequence: intron variant.
Genome position (GRCh38, 1-based): chr6:56,493,986-56,493,990, TATTA deleted on the plus strand (TAATA on the coding strand, the reverse complement: DST is on the minus strand); deleting any 5 consecutive bases within chr6:56,493,986-56,493,995 gives the same sequence; the c. name uses the placement nearest the transcript's 3' end. VCF-style (leftmost placement, unchanged base first): chr6-56493985-CTATTA-C. GRCh37 (hg19) VCF-style: chr6-56358783-CTATTA-C.
Other names: c.14037+20_14037+24del (NM_001144769.5); c.20394+20_20394+24del (NM_001374722.1); c.20421+20_20421+24del (NM_001374734.1); c.13623+20_13623+24del (NM_001144770.2); c.13176+20_13176+24del (NM_001374730.1); c.13503+20_13503+24del (NM_001386100.1, NM_183380.4); c.19434+20_19434+24del (NM_001374729.1); c.12525+20_12525+24del (NM_015548.5).
Identifiers: ClinVar variation 1347581 (VCV001347581.6), dbSNP rs2152443992, ClinGen allele CA2578654215.

ClinVar aggregate classification (germline): Uncertain significance (1 of 4 stars; one submission).

Conditions:
Hereditary sensory and autonomic neuropathy type 6. Also called: HSAN VI; Neuropathy, hereditary sensory and autonomic, type VI. Identifiers: Orphanet 314381, MedGen C3539003, MONDO:0013839, OMIM 614653.
Epidermolysis bullosa simplex 3, localized or generalized intermediate, with BP230 deficiency (EBS3). Also called: Epidermolysis bullosa simplex, autosomal recessive 2; Epidermolysis bullosa simplex due to BP230 deficiency. Identifiers: Orphanet 412181, MedGen C3809470, MONDO:0014180, OMIM 615425.

Submission:

Labcorp Genetics (formerly Invitae), Labcorp
Classification: Uncertain significance for Epidermolysis bullosa simplex 3, localized or generalized intermediate, with BP230 deficiency; Hereditary sensory and autonomic neuropathy type 6. Last evaluated: 2021-09-27. Review status: criteria provided, single submitter. Criteria: Invitae Variant Classification Sherloc (09022015). Collection method: clinical testing. Allele origin: germline.
Comment: This sequence change falls in intron 64 of the DST gene. It does not directly change the encoded amino acid sequence of the DST protein. The DST gene has multiple clinically relevant transcripts. This variant occurs in alternate transcript NM_015548.4, and corresponds to NM_001723.5:c.*121527_*121531del in the primary transcript. This variant is not present in population databases (ExAC no frequency). This variant has not been reported in the literature in individuals affected with DST-related conditions. Experimental studies and prediction algorithms are not available or were not evaluated, and the effect of this variant on mRNA splicing is currently unknown. In summary, the available evidence is currently insufficient to determine the role of this variant in disease. Therefore, it has been classified as a Variant of Uncertain Significance.